The following is an entry in ClinVar:

ClinVar aggregate classification (germline): Conflicting classifications of pathogenicity. Review status: criteria provided, conflicting classifications (1 of 4 stars). 4 submissions from 4 submitters: Uncertain significance (3); Likely benign (1). Last evaluated 2025-08-20.

Conditions:
Hereditary diffuse gastric adenocarcinoma (HDGC). Also called: DIFFUSE GASTRIC AND LOBULAR BREAST CANCER SYNDROME. Identifiers: Orphanet 26106, MedGen C1708349, MONDO:0007648, OMIM 137215.
Hereditary cancer-predisposing syndrome. Also called: Neoplastic Syndromes, Hereditary; Hereditary neoplastic syndrome; Tumor predisposition; Hereditary Cancer Syndrome. Identifiers: Orphanet 140162, MedGen C0027672, MeSH D009386, MONDO:0015356.

Submissions (4):

Labcorp Genetics (formerly Invitae), Labcorp
Classification: Uncertain significance for Hereditary diffuse gastric adenocarcinoma. Last evaluated: 2025-08-20. Review status: criteria provided, single submitter. Criteria: Invitae Variant Classification Sherloc (09022015). Collection method: clinical testing. Allele origin: germline.
Comment: This sequence change replaces valine, which is neutral and non-polar, with phenylalanine, which is neutral and non-polar, at codon 329 of the CDH1 protein (p.Val329Phe). This variant is not present in population databases (gnomAD no frequency). This variant has not been reported in the literature in individuals affected with CDH1-related conditions. ClinVar contains an entry for this variant (Variation ID: 808063). An algorithm developed to predict the effect of missense changes on protein structure and function (PolyPhen-2) suggests that this variant is likely to be tolerated. In summary, the available evidence is currently insufficient to determine the role of this variant in disease. Therefore, it has been classified as a Variant of Uncertain Significance.

Ambry Genetics
Classification: Likely benign for Hereditary cancer-predisposing syndrome. Last evaluated: 2024-06-11. Review status: criteria provided, single submitter. Criteria: Ambry Variant Classification Scheme 2023. Collection method: clinical testing. Allele origin: germline.

GeneDx
Classification: Uncertain significance. Last evaluated: 2024-05-28. Review status: criteria provided, single submitter. Criteria: GeneDx Variant Classification Process June 2021. Collection method: clinical testing. Allele origin: germline. Affected: yes.
Comment: Not observed at significant frequency in large population cohorts (gnomAD); In silico analysis supports that this missense variant has a deleterious effect on protein structure/function; Has not been previously published as pathogenic or benign to our knowledge; This variant is associated with the following publications: (PMID: 22722829, 15235021, 22850631)

CeGaT Center for Human Genetics Tuebingen
Classification: Uncertain significance. Last evaluated: 2021-06-01. Review status: criteria provided, single submitter. Criteria: CeGaT Center For Human Genetics Tuebingen Variant Classification Criteria Version 2. Collection method: clinical testing. Allele origin: germline. Affected: yes. Observed: 2 variant alleles.

Literature cited by the submitters: PubMed 22722829 (cited by Ambry Genetics).

NM_004360.5(CDH1):c.985G>T (p.Val329Phe)

Gene: CDH1 (cadherin 1; plus strand). Cytogenetic location: 16q22.1.
Variant type: single nucleotide variant.
Coding change: c.985G>T on transcript NM_004360.5 (MANE Select); coding-DNA position 985, G replaced by T.
Protein change: p.Val329Phe; replaces valine 329 with phenylalanine.
Molecular consequence: missense variant. On other transcripts: 5 prime UTR variant (2).
Genome position (GRCh38, 1-based): chr16:68,811,836, G>T. VCF-style: chr16-68811836-G-T. GRCh37 (hg19) VCF-style: chr16-68845739-G-T.
Other names: c.985G>T, p.Val329Phe (NM_001317184.2); c.-631G>T (NM_001317185.2); c.-835G>T (NM_001317186.2); short protein forms V329F.
Identifiers: ClinVar variation 808063 (VCV000808063.55), dbSNP rs1597894279, ClinGen allele CA396459864.